The following is an entry in ClinVar:

ClinVar aggregate classification (germline): Uncertain significance. Review status: criteria provided, multiple submitters, no conflicts (2 of 4 stars). 2 submissions from 2 submitters: Uncertain significance (2). Last evaluated 2024-04-08.

Allele frequency attached by ClinVar (database versions not stated): TOPMed 0.00002; gnomAD 0.00003; gnomAD exomes 0.00003; ExAC 0.00007.
gnomAD v4.1: 50 of 1,614,082 alleles (0.0031%); highest among the groups gnomAD compares: Non-Finnish European, 0.0039%; no homozygotes.

Submissions (2):

Blueprint Genetics
Classification: Uncertain significance. Last evaluated: 2024-04-08. Review status: criteria provided, single submitter. Criteria: ACMG Guidelines, 2015. Collection method: clinical testing. Allele origin: germline.

Labcorp Genetics (formerly Invitae), Labcorp
Classification: Uncertain significance. Last evaluated: 2022-06-18. Review status: criteria provided, single submitter. Criteria: Invitae Variant Classification Sherloc (09022015). Collection method: clinical testing. Allele origin: germline.
Comment: In summary, the available evidence is currently insufficient to determine the role of this variant in disease. Therefore, it has been classified as a Variant of Uncertain Significance. Algorithms developed to predict the effect of missense changes on protein structure and function output the following: SIFT: "Deleterious"; PolyPhen-2: "Possibly Damaging"; Align-GVGD: "Class C0". The tryptophan amino acid residue is found in multiple mammalian species, which suggests that this missense change does not adversely affect protein function. This variant has not been reported in the literature in individuals affected with ASXL1-related conditions. This variant is present in population databases (rs201302084, gnomAD 0.01%). This sequence change replaces arginine, which is basic and polar, with tryptophan, which is neutral and slightly polar, at codon 1289 of the ASXL1 protein (p.Arg1289Trp).

NM_015338.6(ASXL1):c.3865C>T (p.Arg1289Trp)

Gene: ASXL1 (ASXL transcriptional regulator 1; plus strand). Cytogenetic location: 20q11.21.
Variant type: single nucleotide variant.
Coding change: c.3865C>T on transcript NM_015338.6 (MANE Select); coding-DNA position 3865, C replaced by T.
Protein change: p.Arg1289Trp; replaces arginine 1289 with tryptophan.
Molecular consequence: missense variant.
Genome position (GRCh38, 1-based): chr20:32,436,577, C>T. VCF-style: chr20-32436577-C-T. GRCh37 (hg19) VCF-style: chr20-31024380-C-T.
Other names: c.3682C>T, p.Arg1228Trp (NM_001363734.1); short protein forms R1289W, R1228W.
Identifiers: ClinVar variation 1917003 (VCV001917003.6), dbSNP rs201302084, ClinGen allele CA9808917.